The following is an entry in ClinVar:

NM_003482.4(KMT2D):c.9554T>C (p.Phe3185Ser)

Gene: KMT2D (lysine methyltransferase 2D; minus strand). Cytogenetic location: 12q13.12.
Variant type: single nucleotide variant.
Coding change: c.9554T>C on transcript NM_003482.4 (MANE Select); coding-DNA position 9554, T replaced by C.
Protein change: p.Phe3185Ser; replaces phenylalanine 3185 with serine.
Molecular consequence: missense variant.
Genome position (GRCh38, 1-based): chr12:49,037,802, A>G on the plus strand (T>C on the coding strand, the complement: KMT2D is on the minus strand). VCF-style: chr12-49037802-A-G. GRCh37 (hg19) VCF-style: chr12-49431585-A-G.
Other names: short protein forms F3185S.
Identifiers: ClinVar variation 1329654 (VCV001329654.3), dbSNP rs377231704, ClinGen allele CA384737302.

ClinVar aggregate classification (germline): Uncertain significance. Review status: criteria provided, multiple submitters, no conflicts (2 of 4 stars). 2 submissions from 2 submitters: Uncertain significance (2). Last evaluated 2023-12-07.

Conditions:
Inborn genetic diseases. Identifiers: MedGen C0950123, MeSH D030342.

gnomAD v4.1: 2 of 1,597,258 alleles (0.00013%); highest among the groups gnomAD compares: Non-Finnish European, 0.00017%; no homozygotes.

Submissions (2):

Ambry Genetics
Classification: Uncertain significance for Inborn genetic diseases. Last evaluated: 2023-12-07. Review status: criteria provided, single submitter. Criteria: Ambry Variant Classification Scheme 2023. Collection method: clinical testing. Allele origin: germline.

GeneDx
Classification: Uncertain significance. Last evaluated: 2021-06-21. Review status: criteria provided, single submitter. Criteria: GeneDx Variant Classification Process June 2021. Collection method: clinical testing. Allele origin: germline. Affected: yes.
Comment: Has not been previously published as pathogenic or benign to our knowledge; Not observed at significant frequency in large population cohorts (Lek et al., 2016); In silico analysis supports that this missense variant does not alter protein structure/function; This variant is associated with the following publications: (PMID: 27535533)